The following is an entry in ClinVar:

NM_001110556.2(FLNA):c.6101C>A (p.Pro2034His)

Gene: FLNA (filamin A; minus strand). Cytogenetic location: Xq28.
Variant type: single nucleotide variant.
Coding change: c.6101C>A on transcript NM_001110556.2 (MANE Select); coding-DNA position 6101, C replaced by A.
Protein change: p.Pro2034His; replaces proline 2034 with histidine.
Molecular consequence: missense variant.
Genome position (GRCh38, 1-based): chrX:154,353,126, G>T on the plus strand (C>A on the coding strand, the complement: FLNA is on the minus strand). VCF-style: chrX-154353126-G-T. GRCh37 (hg19) VCF-style: chrX-153581494-G-T.
Other names: c.6077C>A, p.Pro2026His (NM_001456.4); short protein forms P2034H, P2026H.
Identifiers: ClinVar variation 2954384 (VCV002954384.3), dbSNP rs2522723274, ClinGen allele CA415196118.

ClinVar aggregate classification (germline): Uncertain significance (1 of 4 stars; one submission).

Conditions:
Heterotopia, periventricular, X-linked dominant (PVNH1). Also called: PERIVENTRICULAR NODULAR HETEROTOPIA 1; X-linked periventricular heterotopia; PERIVENTRICULAR NODULAR HETEROTOPIA 4; HETEROTOPIA, PERIVENTRICULAR, 1. Identifiers: Orphanet 2149, Orphanet 82004, MedGen C1848213, MONDO:0010233, OMIM 300049.
Melnick-Needles syndrome (MNS). Also called: Melnick-Needles Syndrome (FLNA-MNS); MELNICK-NEEDLES OSTEODYSPLASTY; OSTEODYSPLASTY OF MELNICK AND NEEDLES. Identifiers: Orphanet 2484, MedGen C0025237, MONDO:0010650, OMIM 309350.
Frontometaphyseal dysplasia (FMD1). Identifiers: Orphanet 1826, MedGen C0265293, MONDO:0015942.
Oto-palato-digital syndrome, type II (OPD2). Also called: Otopalatodigital Syndrome Type 2 (FLNA-OPD2); FACIOPALATOOSSEOUS SYNDROME; OPD II SYNDROME; Otopalatodigital Syndrome, Type II. Identifiers: Orphanet 669, Orphanet 90652, MedGen C1844696, MONDO:0010571, OMIM 304120.

Submission:

Labcorp Genetics (formerly Invitae), Labcorp
Classification: Uncertain significance for Oto-palato-digital syndrome, type II; Heterotopia, periventricular, X-linked dominant; Frontometaphyseal dysplasia; Melnick-Needles syndrome. Last evaluated: 2023-12-02. Review status: criteria provided, single submitter. Criteria: Invitae Variant Classification Sherloc (09022015). Collection method: clinical testing. Allele origin: germline.
Comment: This sequence change replaces proline, which is neutral and non-polar, with histidine, which is basic and polar, at codon 2026 of the FLNA protein (p.Pro2026His). This variant is not present in population databases (gnomAD no frequency). This variant has not been reported in the literature in individuals affected with FLNA-related conditions. Advanced modeling of protein sequence and biophysical properties (such as structural, functional, and spatial information, amino acid conservation, physicochemical variation, residue mobility, and thermodynamic stability) has been performed at Invitae for this missense variant, however the output from this modeling did not meet the statistical confidence thresholds required to predict the impact of this variant on FLNA protein function. In summary, the available evidence is currently insufficient to determine the role of this variant in disease. Therefore, it has been classified as a Variant of Uncertain Significance.